The following is an entry in ClinVar:

NM_001367916.1(MAGT1):c.-24C>G

Gene: MAGT1 (magnesium transporter 1; minus strand). Cytogenetic location: Xq21.1.
Variant type: single nucleotide variant.
Coding change: c.-24C>G on transcript NM_001367916.1 (MANE Select); 24 bases upstream of the start codon, C replaced by G.
Molecular consequence: 5 prime UTR variant. On other transcripts: missense variant (1).
Genome position (GRCh38, 1-based): chrX:77,895,434, G>C on the plus strand (C>G on the coding strand, the complement: MAGT1 is on the minus strand). VCF-style: chrX-77895434-G-C. GRCh37 (hg19) VCF-style: chrX-77150931-G-C.
Other names: c.73C>G, p.Leu25Val (NM_032121.5); short protein forms L25V.
Identifiers: ClinVar variation 1422671 (VCV001422671.8), dbSNP rs2077096166, ClinGen allele CA413714468.

ClinVar aggregate classification (germline): Uncertain significance (1 of 4 stars; one submission).

Conditions:
X-linked immunodeficiency with magnesium defect, Epstein-Barr virus infection and neoplasia. Identifiers: Orphanet 317476, MedGen C3275445, MONDO:0010455, OMIM 300853.

Allele frequency attached by ClinVar (database versions not stated): gnomAD exomes below 0.00001.
gnomAD v4.1: 1 of 1,207,363 alleles (0.000083%); highest among the groups gnomAD compares: Non-Finnish European, 0.00011%; no homozygotes.

Submission:

Labcorp Genetics (formerly Invitae), Labcorp
Classification: Uncertain significance for X-linked immunodeficiency with magnesium defect, Epstein-Barr virus infection and neoplasia. Last evaluated: 2020-12-30. Review status: criteria provided, single submitter. Criteria: Invitae Variant Classification Sherloc (09022015). Collection method: clinical testing. Allele origin: germline.
Comment: This variant is not present in population databases (ExAC no frequency). This sequence change replaces leucine with valine at codon 25 of the MAGT1 protein (p.Leu25Val). The leucine residue is weakly conserved and there is a small physicochemical difference between leucine and valine. This variant has not been reported in the literature in individuals with MAGT1-related conditions. In summary, the available evidence is currently insufficient to determine the role of this variant in disease. Therefore, it has been classified as a Variant of Uncertain Significance. Algorithms developed to predict the effect of missense changes on protein structure and function (SIFT, PolyPhen-2, Align-GVGD) all suggest that this variant is likely to be tolerated, but these predictions have not been confirmed by published functional studies and their clinical significance is uncertain.